The following is an entry in ClinVar:

ClinVar aggregate classification (germline): Uncertain significance (1 of 4 stars; one submission).

gnomAD v4.1: 6 of 1,613,496 alleles (0.00037%); highest among the groups gnomAD compares: South Asian, 0.0033%; no homozygotes.

Submission:

Labcorp Genetics (formerly Invitae), Labcorp
Classification: Uncertain significance. Last evaluated: 2022-02-28. Review status: criteria provided, single submitter. Criteria: Invitae Variant Classification Sherloc (09022015). Collection method: clinical testing. Allele origin: germline.
Comment: This sequence change replaces proline, which is neutral and non-polar, with alanine, which is neutral and non-polar, at codon 1301 of the MPDZ protein (p.Pro1301Ala). This variant is not present in population databases (gnomAD no frequency). This variant has not been reported in the literature in individuals affected with MPDZ-related conditions. Algorithms developed to predict the effect of missense changes on protein structure and function (SIFT, PolyPhen-2, Align-GVGD) all suggest that this variant is likely to be tolerated. In summary, the available evidence is currently insufficient to determine the role of this variant in disease. Therefore, it has been classified as a Variant of Uncertain Significance.

NM_001378778.1(MPDZ):c.3901C>G (p.Pro1301Ala)

Gene: MPDZ (multiple PDZ domain crumbs cell polarity complex component; minus strand). Cytogenetic location: 9p23.
Variant type: single nucleotide variant.
Coding change: c.3901C>G on transcript NM_001378778.1 (MANE Select); coding-DNA position 3901, C replaced by G.
Protein change: p.Pro1301Ala; replaces proline 1301 with alanine.
Molecular consequence: missense variant.
Genome position (GRCh38, 1-based): chr9:13,140,089, G>C on the plus strand (C>G on the coding strand, the complement: MPDZ is on the minus strand). VCF-style: chr9-13140089-G-C. GRCh37 (hg19) VCF-style: chr9-13140088-G-C.
Other names: c.3802C>G, p.Pro1268Ala (NM_001261406.2, NM_001261407.2, NM_001375416.1 and 3 more transcripts); c.3901C>G, p.Pro1301Ala (NM_001330637.2, NM_001375413.1, NM_003829.5); c.3691C>G, p.Pro1231Ala (NM_001375420.1, NM_001375421.1, NM_001375422.1 and 4 more transcripts); c.3493C>G, p.Pro1165Ala (NM_001375427.1); short protein forms P1165A, P1301A, P1231A, P1268A.
Identifiers: ClinVar variation 2097547 (VCV002097547.3), dbSNP rs200311014, ClinGen allele CA372949677.